The following is an entry in ClinVar:

ClinVar aggregate classification (germline): Benign/Likely benign. Review status: criteria provided, multiple submitters, no conflicts (2 of 4 stars). 8 submissions from 8 submitters: Benign (3); Likely benign (2). 3 of the submissions do not count toward it. Last evaluated 2026-02-02.

Conditions:
Polycystic lipomembranous osteodysplasia with sclerosing leukoencephalopathy 1 (PLOSL1). Also called: TYROBP-Related Polycystic Lipomembranous Osteodysplasia with Sclerosing Leukoencephalopathy; TREM2-Related Polycystic Lipomembranous Osteodysplasia with Sclerosing Leukoencephalopathy. Identifiers: Orphanet 2770, MedGen C4721893, MONDO:0020749, OMIM 221770.

Allele frequency attached by ClinVar (database versions not stated): 1000 Genomes Project 0.01118; 1000 Genomes Project 30x 0.01187; TOPMed 0.02714; ESP Exome Variant Server 0.03091.
gnomAD v4.1: 63,219 of 1,614,050 alleles (3.9%); highest among the groups gnomAD compares: Non-Finnish European, 4.9%; 1,499 homozygotes.

Submissions (8):

Labcorp Genetics (formerly Invitae), Labcorp
Classification: Benign. Last evaluated: 2026-02-02. Review status: criteria provided, single submitter. Criteria: Invitae Variant Classification Sherloc (09022015). Collection method: clinical testing. Allele origin: germline.

Mayo Clinic Laboratories, Mayo Clinic
Classification: Benign. Last evaluated: 2023-03-24. Review status: criteria provided, single submitter. Criteria: ACMG Guidelines, 2015. Collection method: clinical testing. Allele origin: germline. Observed: 56 variant alleles.
Comment: BS1, BS2, BP4, BP7

GeneDx
Classification: Likely benign. Last evaluated: 2020-12-12. Review status: criteria provided, single submitter. Criteria: GeneDx Variant Classification Process June 2021. Collection method: clinical testing. Allele origin: germline. Affected: yes.

Illumina Laboratory Services, Illumina
Classification: Benign for Polycystic lipomembranous osteodysplasia with sclerosing leukoencephalopathy 1. Last evaluated: 2018-01-12. Review status: criteria provided, single submitter. Criteria: ICSL Variant Classification Criteria 13 December 2019. Collection method: clinical testing. Allele origin: germline.
Comment: This variant was observed in the ICSL laboratory as part of a predisposition screen in an ostensibly healthy population. It had not been previously curated by ICSL or reported in the Human Gene Mutation Database (HGMD: prior to June 1st, 2018), and was therefore a candidate for classification through an automated scoring system. Utilizing variant allele frequency, disease prevalence and penetrance estimates, and inheritance mode, an automated score was calculated to assess if this variant is too frequent to cause the disease. Based on the score and internal cut-off values, a variant classified as benign is not then subjected to further curation. The score for this variant resulted in a classification of benign for this disease.

Breakthrough Genomics
Classification: Likely benign. Review status: criteria provided, single submitter. Criteria: ACMG Guidelines, 2015. Collection method: not provided. Allele origin: germline. Inheritance: Autosomal recessive inheritance. Affected: yes.

Clinical Genetics DNA and cytogenetics Diagnostics Lab, Erasmus MC, Erasmus Medical Center
Classification: Benign. Review status: no assertion criteria provided. Collection method: clinical testing. Allele origin: germline. Affected: yes. Study: VKGL Data-share Consensus. Not counted in ClinVar's aggregate classification.

Genome Diagnostics Laboratory, Amsterdam University Medical Center
Classification: Likely benign. Review status: no assertion criteria provided. Collection method: clinical testing. Allele origin: germline. Affected: yes. Study: VKGL Data-share Consensus. Not counted in ClinVar's aggregate classification.

Laboratory of Diagnostic Genome Analysis, Leiden University Medical Center (LUMC)
Classification: Likely benign. Review status: no assertion criteria provided. Collection method: clinical testing. Allele origin: germline. Affected: yes. Study: VKGL Data-share Consensus. Not counted in ClinVar's aggregate classification.

NM_003332.4(TYROBP):c.123C>G (p.Gly41=)

Gene: TYROBP (transmembrane immune signaling adaptor TYROBP; minus strand). Cytogenetic location: 19q13.12.
Variant type: single nucleotide variant.
Coding change: c.123C>G on transcript NM_003332.4 (MANE Select); coding-DNA position 123, C replaced by G.
Protein change: p.Gly41=; no amino-acid change (glycine 41 retained).
Molecular consequence: synonymous variant. On other transcripts: non-coding transcript variant (1).
Genome position (GRCh38, 1-based): chr19:35,907,552, G>C on the plus strand (C>G on the coding strand, the complement: TYROBP is on the minus strand). VCF-style: chr19-35907552-G-C. GRCh37 (hg19) VCF-style: chr19-36398454-G-C.
Other names: p.Gly41=; c.90C>G, p.Gly30= (NM_001173514.2, NM_001173515.2); c.123C>G, p.Gly41= (NM_198125.3).
Identifiers: ClinVar variation 328894 (VCV000328894.20), dbSNP rs111477177, ClinGen allele CA9393095.